The following is an entry in ClinVar:

ClinVar aggregate classification (germline): Uncertain significance. Review status: criteria provided, multiple submitters, no conflicts (2 of 4 stars). 5 submissions from 5 submitters: Uncertain significance (4). 1 of the submissions does not count toward it. Last evaluated 2025-06-03.

Conditions:
Inborn genetic diseases. Identifiers: MedGen C0950123, MeSH D030342.
Ehlers-Danlos syndrome, dermatosparaxis type. Also called: EDS VIIC; Dermatosparaxis; Ehlers-Danlos syndrome, type VII, autosomal recessive. Identifiers: Orphanet 1901, MedGen C2700425, MONDO:0009161, OMIM 225410.

Allele frequency attached by ClinVar (database versions not stated): gnomAD 0.00001; ExAC 0.00004; gnomAD exomes 0.00004 and 0.00005; TOPMed 0.00006.

Submissions (5):

Ambry Genetics
Classification: Uncertain significance for Inborn genetic diseases. Last evaluated: 2025-06-03. Review status: criteria provided, single submitter. Criteria: Ambry Variant Classification Scheme 2023. Collection method: clinical testing. Allele origin: germline.

Labcorp Genetics (formerly Invitae), Labcorp
Classification: Uncertain significance for Ehlers-Danlos syndrome, dermatosparaxis type. Last evaluated: 2024-12-31. Review status: criteria provided, single submitter. Criteria: Invitae Variant Classification Sherloc (09022015). Collection method: clinical testing. Allele origin: germline.
Comment: This sequence change replaces aspartic acid, which is acidic and polar, with asparagine, which is neutral and polar, at codon 357 of the ADAMTS2 protein (p.Asp357Asn). This variant is present in population databases (rs763890617, gnomAD 0.08%). This variant has not been reported in the literature in individuals affected with ADAMTS2-related conditions. ClinVar contains an entry for this variant (Variation ID: 353126). An algorithm developed to predict the effect of missense changes on protein structure and function (PolyPhen-2) suggests that this variant¬†is likely to be tolerated. In summary, the available evidence is currently insufficient to determine the role of this variant in disease. Therefore, it has been classified as a Variant of Uncertain Significance.

GeneDx
Classification: Uncertain significance. Last evaluated: 2024-05-09. Review status: criteria provided, single submitter. Criteria: GeneDx Variant Classification Process June 2021. Collection method: clinical testing. Allele origin: germline. Affected: yes.
Comment: In silico analysis indicates that this missense variant does not alter protein structure/function; Has not been previously published as pathogenic or benign to our knowledge

Illumina Laboratory Services, Illumina
Classification: Uncertain significance for Ehlers-Danlos syndrome, dermatosparaxis type. Last evaluated: 2018-01-13. Review status: criteria provided, single submitter. Criteria: ICSL Variant Classification Criteria 13 December 2019. Collection method: clinical testing. Allele origin: germline.

Natera, Inc.
Classification: Uncertain significance for Ehlers-Danlos syndrome type VIIC. Last evaluated: 2020-04-20. Review status: no assertion criteria provided. Collection method: clinical testing. Allele origin: germline. Not counted in ClinVar's aggregate classification.

NM_014244.5(ADAMTS2):c.1069G>A (p.Asp357Asn)

Gene: ADAMTS2 (ADAM metallopeptidase with thrombospondin type 1 motif 2; minus strand). Cytogenetic location: 5q35.3.
Variant type: single nucleotide variant.
Coding change: c.1069G>A on transcript NM_014244.5 (MANE Select); coding-DNA position 1069, G replaced by A.
Protein change: p.Asp357Asn; replaces aspartic acid 357 with asparagine.
Molecular consequence: missense variant.
Genome position (GRCh38, 1-based): chr5:179,158,786, C>T on the plus strand (G>A on the coding strand, the complement: ADAMTS2 is on the minus strand). VCF-style: chr5-179158786-C-T. GRCh37 (hg19) VCF-style: chr5-178585787-C-T.
Other names: c.1069G>A, p.Asp357Asn (NM_021599.4); short protein forms D357N.
Identifiers: ClinVar variation 353126 (VCV000353126.10), dbSNP rs763890617, ClinGen allele CA3596050.